The following is an entry in ClinVar:

ClinVar aggregate classification (germline): Uncertain significance. Review status: criteria provided, multiple submitters, no conflicts (2 of 4 stars). 2 submissions from 2 submitters: Uncertain significance (2). Last evaluated 2025-04-18.

Conditions:
Inborn genetic diseases. Identifiers: MedGen C0950123, MeSH D030342.

Allele frequency attached by ClinVar (database versions not stated): TOPMed 0.00010; ESP Exome Variant Server 0.00008; ExAC 0.00002; gnomAD 0.00010; gnomAD exomes 0.00001.
gnomAD v4.1: 29 of 1,613,296 alleles (0.0018%); highest among the groups gnomAD compares: African/African-American, 0.032%; no homozygotes.

Submissions (2):

Ambry Genetics
Classification: Uncertain significance for Inborn genetic diseases. Last evaluated: 2025-04-18. Review status: criteria provided, single submitter. Criteria: Ambry Variant Classification Scheme 2023. Collection method: clinical testing. Allele origin: germline.

Labcorp Genetics (formerly Invitae), Labcorp
Classification: Uncertain significance. Last evaluated: 2024-03-04. Review status: criteria provided, single submitter. Criteria: Invitae Variant Classification Sherloc (09022015). Collection method: clinical testing. Allele origin: germline.
Comment: This sequence change replaces glycine, which is neutral and non-polar, with arginine, which is basic and polar, at codon 211 of the POLR1A protein (p.Gly211Arg). This variant is present in population databases (rs375330613, gnomAD 0.02%). This variant has not been reported in the literature in individuals affected with POLR1A-related conditions. ClinVar contains an entry for this variant (Variation ID: 2039661). Advanced modeling of protein sequence and biophysical properties (such as structural, functional, and spatial information, amino acid conservation, physicochemical variation, residue mobility, and thermodynamic stability) performed at Invitae indicates that this missense variant is not expected to disrupt POLR1A protein function with a negative predictive value of 80%. In summary, the available evidence is currently insufficient to determine the role of this variant in disease. Therefore, it has been classified as a Variant of Uncertain Significance.

NM_015425.6(POLR1A):c.631G>A (p.Gly211Arg)

Gene: POLR1A (RNA polymerase I subunit A; minus strand). Cytogenetic location: 2p11.2.
Variant type: single nucleotide variant.
Coding change: c.631G>A on transcript NM_015425.6 (MANE Select); coding-DNA position 631, G replaced by A.
Protein change: p.Gly211Arg; replaces glycine 211 with arginine.
Molecular consequence: missense variant.
Genome position (GRCh38, 1-based): chr2:86,088,665, C>T on the plus strand (G>A on the coding strand, the complement: POLR1A is on the minus strand). VCF-style: chr2-86088665-C-T. GRCh37 (hg19) VCF-style: chr2-86315788-C-T.
Other names: c.631G>A (NM_015425.3); short protein forms G211R.
Identifiers: ClinVar variation 2039661 (VCV002039661.5), dbSNP rs375330613, ClinGen allele CA1746581.
Genomic context (GRCh38, chr2:86,088,665, plus strand): 5'-CCATGGCTGGAAACGTGATAGTCAACTTGCTGTTGTGTTCCTTTCGGACAACGGATCGCC[C>T]GGTCCTGTGCAGGAGGACAGTTGTGATTGAAGAGAGAAAAAACCCAGTAAGATATTTAAT-3'
Protein context (NP_056240.2, residues 201-221): NAKRCPHCKT[Gly211Arg]RSVVRKEHNS